The following is an entry in ClinVar:

NM_182961.4(SYNE1):c.15772G>A (p.Val5258Ile)

Gene: SYNE1 (spectrin repeat containing nuclear envelope protein 1; minus strand). Cytogenetic location: 6q25.2.
Variant type: single nucleotide variant.
Coding change: c.15772G>A on transcript NM_182961.4 (MANE Select); coding-DNA position 15772, G replaced by A.
Protein change: p.Val5258Ile; replaces valine 5258 with isoleucine.
Molecular consequence: missense variant.
Genome position (GRCh38, 1-based): chr6:152,323,623, C>T on the plus strand (G>A on the coding strand, the complement: SYNE1 is on the minus strand). VCF-style: chr6-152323623-C-T. GRCh37 (hg19) VCF-style: chr6-152644758-C-T.
Other names: c.15559G>A, p.Val5187Ile (NM_033071.5); short protein forms V5258I, V5187I.
Identifiers: ClinVar variation 2061844 (VCV002061844.4), dbSNP rs577548641, ClinGen allele CA4055698.
Genomic context (GRCh38, chr6:152,323,623, plus strand): 5'-TGCTCAGGGTTTGCTGCCGCAGCATGCCCAAGGCCGACTGCTGCTGCTCCAGCTCCAGAA[C>T]GAACGTGTCGTGGTATTCAAGAAGAGTTAAGAGCTCTGCTTTCGATGCTTTCTCTGCTGA-3'
Protein context (NP_892006.3, residues 5248-5268): LTLLEYHDTF[Val5258Ile]LELEQQQSAL

ClinVar aggregate classification (germline): Uncertain significance (1 of 4 stars; one submission).

Conditions:
Emery-Dreifuss muscular dystrophy 4, autosomal dominant (EDMD4). Also called: EMERY-DREIFUSS MUSCULAR DYSTROPHY 4 WITH VARIABLE FEATURES. Identifiers: Orphanet 261, MedGen C2751807, MONDO:0013071, OMIM 612998.
Autosomal recessive ataxia, Beauce type. Also called: SYNE1 Deficiency; Spinocerebellar ataxia, autosomal recessive 8; ATAXIA, RECESSIVE, OF BEAUCE; SYNE1-Related Autosomal Recessive Cerebellar Ataxia. Identifiers: Orphanet 88644, MedGen C1853116, MONDO:0012549, OMIM 610743.

Allele frequency attached by ClinVar (database versions not stated): TOPMed 0.00003; ExAC 0.00007; 1000 Genomes Project 30x 0.00078; 1000 Genomes Project 0.00100.
gnomAD v4.1: 29 of 1,614,218 alleles (0.0018%); highest among the groups gnomAD compares: East Asian, 0.06%; no homozygotes.

Submission:

Labcorp Genetics (formerly Invitae), Labcorp
Classification: Uncertain significance for Emery-Dreifuss muscular dystrophy 4, autosomal dominant; Autosomal recessive ataxia, Beauce type. Last evaluated: 2022-08-08. Review status: criteria provided, single submitter. Criteria: Invitae Variant Classification Sherloc (09022015). Collection method: clinical testing. Allele origin: germline.
Comment: In summary, the available evidence is currently insufficient to determine the role of this variant in disease. Therefore, it has been classified as a Variant of Uncertain Significance. Algorithms developed to predict the effect of missense changes on protein structure and function output the following: SIFT: "Tolerated"; PolyPhen-2: "Benign"; Align-GVGD: "Class C0". The isoleucine amino acid residue is found in multiple mammalian species, which suggests that this missense change does not adversely affect protein function. This variant has not been reported in the literature in individuals affected with SYNE1-related conditions. This variant is present in population databases (rs577548641, gnomAD 0.07%). This sequence change replaces valine, which is neutral and non-polar, with isoleucine, which is neutral and non-polar, at codon 5187 of the SYNE1 protein (p.Val5187Ile).